The following is an entry in ClinVar:

NM_002510.3(GPNMB):c.1018+10C>T

Gene: GPNMB (glycoprotein nmb; plus strand). Cytogenetic location: 7p15.3.
Variant type: single nucleotide variant.
Coding change: c.1018+10C>T on transcript NM_002510.3 (MANE Select); 10 bases into the intron after coding-DNA position 1018, C replaced by T.
Molecular consequence: intron variant.
Genome position (GRCh38, 1-based): chr7:23,260,783, C>T. VCF-style: chr7-23260783-C-T. GRCh37 (hg19) VCF-style: chr7-23300402-C-T.
Other names: c.1018+10C>T (NM_001005340.2).
Identifiers: ClinVar variation 3051514 (VCV003051514.2), dbSNP rs149472924, ClinGen allele CA4187584.

ClinVar aggregate classification (germline): Likely benign (0 of 4 stars; one submission).

Conditions:
GPNMB-related disorder. Also called: GPNMB-related condition.

Allele frequency attached by ClinVar (database versions not stated): gnomAD exomes 0.00005; gnomAD 0.00011; TOPMed 0.00012; ExAC 0.00019; 1000 Genomes Project 30x 0.00031; 1000 Genomes Project 0.00040.
gnomAD v4.1: 78 of 1,511,572 alleles (0.0052%); highest among the groups gnomAD compares: East Asian, 0.14%; no homozygotes.

Submission:

PreventionGenetics, part of Exact Sciences
Classification: Likely benign for GPNMB-related condition. Last evaluated: 2019-02-22. Review status: no assertion criteria provided. Collection method: clinical testing. Allele origin: germline.
Comment: This variant is classified as likely benign based on ACMG/AMP sequence variant interpretation guidelines (Richards et al. 2015 PMID: 25741868, with internal and published modifications).